The following is an entry in ClinVar:

ClinVar aggregate classification (germline): Uncertain significance (1 of 4 stars; one submission).

Conditions:
Arrhythmogenic cardiomyopathy with wooly hair and keratoderma. Also called: Carvajal syndrome; PALMOPLANTAR KERATODERMA WITH LEFT VENTRICULAR CARDIOMYOPATHY AND WOOLLY HAIR; Dilated cardiomyopathy with woolly hair and keratoderma; Arrhythmogenic cardiomyopathy with woolly hair and keratoderma. Identifiers: Orphanet 65282, MedGen C1854063, MONDO:0011581, OMIM 605676.

Submission:

All of Us Research Program, National Institutes of Health
Classification: Uncertain significance for Arrhythmogenic cardiomyopathy with wooly hair and keratoderma. Last evaluated: 2024-06-09. Review status: criteria provided, single submitter. Criteria: ACMG Guidelines, 2015. Collection method: clinical testing. Allele origin: germline. Inheritance: Autosomal dominant inheritance. Observed: 1 variant allele, 1 heterozygote.
Comment: This missense variant replaces glutamine with histidine at codon 447 of the DSP protein. Computational prediction suggests that this variant may not impact protein structure and function (internally defined REVEL score threshold <= 0.5, PMID: 27666373). To our knowledge, functional studies have not been reported for this variant. This variant has not been reported in individuals affected with DSP-related disorders in the literature. This variant has not been identified in the general population by the Genome Aggregation Database (gnomAD). The available evidence is insufficient to determine the role of this variant in disease conclusively. Therefore, this variant is classified as a Variant of Uncertain Significance.

This study involves interpretation of variants in research participants for the purpose of population health screening. Participant phenotype was not available at the time of variant classification. Additional details can be found in publication PMID: 35346344, PMCID: PMC8962531

NM_004415.4(DSP):c.1341G>T (p.Gln447His)

Gene: DSP (desmoplakin; plus strand). Cytogenetic location: 6p24.3.
Variant type: single nucleotide variant.
Coding change: c.1341G>T on transcript NM_004415.4 (MANE Select); coding-DNA position 1341, G replaced by T.
Protein change: p.Gln447His; replaces glutamine 447 with histidine.
Molecular consequence: missense variant.
Genome position (GRCh38, 1-based): chr6:7,568,511, G>T. VCF-style: chr6-7568511-G-T. GRCh37 (hg19) VCF-style: chr6-7568744-G-T.
Other names: c.1341G>T, p.Gln447His (NM_001008844.3, NM_001319034.2, NM_001406591.1); short protein forms Q447H.
Identifiers: ClinVar variation 3386628 (VCV003386628.1).
Genomic context (GRCh38, chr6:7,568,511, plus strand): 5'-AATCCTTGAATACAAGCGTCAGGTGCAGAACTTGGTAAACAAGTCTAAGAAGATTGTACA[G>T]CTGAAGCCTCGTAACCCAGACTACAGAAGCAATAAACCCATTATTCTCAGAGCTCTCTGT-3'
Protein context (NP_004406.2, residues 437-457): NLVNKSKKIV[Gln447His]LKPRNPDYRS